The following is an entry in ClinVar:

NM_213653.4(HJV):c.716A>G (p.Glu239Gly)

Gene: HJV (hemojuvelin BMP co-receptor; minus strand). Cytogenetic location: 1q21.1.
Variant type: single nucleotide variant.
Coding change: c.716A>G on transcript NM_213653.4 (MANE Select); coding-DNA position 716, A replaced by G.
Protein change: p.Glu239Gly; replaces glutamic acid 239 with glycine.
Molecular consequence: missense variant.
Genome position (GRCh38, 1-based): chr1:146,018,642, T>C on the plus strand (A>G on the coding strand, the complement: HJV is on the minus strand). VCF-style: chr1-146018642-T-C. GRCh37 (hg19) VCF-style: chr1-145416371-A-G.
Other names: c.38A>G, p.Glu13Gly (NM_001316767.2, NM_202004.4, NM_213652.4); c.716A>G, p.Glu239Gly (NM_001379352.1); c.377A>G, p.Glu126Gly (NM_145277.5); short protein forms E13G, E126G, E239G.
Identifiers: ClinVar variation 4705830 (VCV004705830.1).

ClinVar aggregate classification (germline): Uncertain significance (1 of 4 stars; one submission).

Submission:

Labcorp Genetics (formerly Invitae), Labcorp
Classification: Uncertain significance. Last evaluated: 2025-12-19. Review status: criteria provided, single submitter. Criteria: Invitae Variant Classification Sherloc (09022015). Collection method: clinical testing. Allele origin: germline.
Comment: This sequence change replaces glutamic acid, which is acidic and polar, with glycine, which is neutral and non-polar, at codon 239 of the HJV protein (p.Glu239Gly). This variant is present in population databases (rs782440072, gnomAD 0.006%). This variant has not been reported in the literature in individuals affected with HJV-related conditions. Invitae Evidence Modeling of protein sequence and biophysical properties (such as structural, functional, and spatial information, amino acid conservation, physicochemical variation, residue mobility, and thermodynamic stability) has been performed for this missense variant. However, the output from this modeling did not meet the statistical confidence thresholds required to predict the impact of this variant on HJV protein function. In summary, the available evidence is currently insufficient to determine the role of this variant in disease. Therefore, it has been classified as a Variant of Uncertain Significance.